The following is an entry in ClinVar:

NM_022489.4(INF2):c.2834C>T (p.Ala945Val)

Gene: INF2 (inverted formin 2; plus strand). Cytogenetic location: 14q32.33.
Variant type: single nucleotide variant.
Coding change: c.2834C>T on transcript NM_022489.4 (MANE Select); coding-DNA position 2834, C replaced by T.
Protein change: p.Ala945Val; replaces alanine 945 with valine.
Molecular consequence: missense variant.
Genome position (GRCh38, 1-based): chr14:104,713,265, C>T. VCF-style: chr14-104713265-C-T. GRCh37 (hg19) VCF-style: chr14-105179602-C-T.
Other names: c.2834C>T, p.Ala945Val (NM_001031714.4); short protein forms A945V.
Identifiers: ClinVar variation 1796624 (VCV001796624.4), dbSNP rs1249742050, ClinGen allele CA391222742.

ClinVar aggregate classification (germline): Conflicting classifications of pathogenicity. Review status: criteria provided, conflicting classifications (1 of 4 stars). 2 submissions from 2 submitters: Uncertain significance (1); Benign (1). Last evaluated 2024-10-02.

Conditions:
Inborn genetic diseases. Identifiers: MedGen C0950123, MeSH D030342.
Focal segmental glomerulosclerosis 5 (FSGS5). Identifiers: Orphanet 656, MedGen C2750475, MONDO:0013191, OMIM 613237.
Charcot-Marie-Tooth disease dominant intermediate E. Also called: CHARCOT-MARIE-TOOTH NEUROPATHY WITH FOCAL SEGMENTAL GLOMERULONEPHRITIS. Identifiers: Orphanet 93114, MedGen C4302667, MONDO:0013758, OMIM 614455.

Allele frequency attached by ClinVar (database versions not stated): gnomAD exomes 0.00001; gnomAD 0.00003; TOPMed 0.00003.

Submissions (2):

Labcorp Genetics (formerly Invitae), Labcorp
Classification: Benign for Charcot-Marie-Tooth disease dominant intermediate E; Focal segmental glomerulosclerosis 5. Last evaluated: 2024-10-02. Review status: criteria provided, single submitter. Criteria: Invitae Variant Classification Sherloc (09022015). Collection method: clinical testing. Allele origin: germline.

Ambry Genetics
Classification: Uncertain significance for Inborn genetic diseases. Last evaluated: 2020-10-12. Review status: criteria provided, single submitter. Criteria: Ambry Variant Classification Scheme 2023. Collection method: clinical testing. Allele origin: germline.
Comment: The p.A945V variant (also known as c.2834C>T), located in coding exon 18 of the INF2 gene, results from a C to T substitution at nucleotide position 2834. The alanine at codon 945 is replaced by valine, an amino acid with similar properties. This amino acid position is well conserved in available vertebrate species. In addition, this alteration is predicted to be tolerated by in silico analysis. Since supporting evidence is limited at this time, the clinical significance of this alteration remains unclear.